The following is an entry in ClinVar:

NM_001364171.2(ODAD1):c.2099_2102delinsACA (p.Ser700fs)

Gene: ODAD1 (outer dynein arm docking complex subunit 1; minus strand). Cytogenetic location: 19q13.33.
Variant type: Indel.
Coding change: c.2099_2102delinsACA on transcript NM_001364171.2 (MANE Select); coding-DNA positions 2099 to 2102, CCAC replaced by ACA.
Protein change: p.Ser700fs; shifts the reading frame from serine 700.
Molecular consequence: frameshift variant.
Genome position (GRCh38, 1-based): chr19:48,296,998-48,297,001, GTGG replaced by TGT on the plus strand (CCAC replaced by ACA on the coding strand, the reverse complement: ODAD1 is on the minus strand). VCF-style: chr19-48296998-GTGG-TGT. GRCh37 (hg19) VCF-style: chr19-48800255-GTGG-TGT.
Other names: c.1988_1991delinsACA, p.Ser663fs (NM_144577.4); short protein forms S663fs, S700fs.
Identifiers: ClinVar variation 574316 (VCV000574316.6), dbSNP rs1569000186, ClinGen allele CA891843585.

ClinVar aggregate classification (germline): Uncertain significance (1 of 4 stars; one submission).

Conditions:
Primary ciliary dyskinesia. Also called: Ciliary dyskinesia. Identifiers: Orphanet 244, MedGen C0008780, MONDO:0016575, HP:0012265.

Submission:

Labcorp Genetics (formerly Invitae), Labcorp
Classification: Uncertain significance for Primary ciliary dyskinesia. Last evaluated: 2018-02-22. Review status: criteria provided, single submitter. Criteria: Invitae Variant Classification Sherloc (09022015). Collection method: clinical testing. Allele origin: germline.
Comment: This variant, c.1988_1991delinsACA, is a complex sequence change that results in a frameshift at codon 663 in the last exon of the CCDC114 mRNA (p.Ser663Tyrfs*84). While this is not anticipated to result in nonsense mediated decay, it is expected to disrupt the last 8 amino acids of the CCDC114 protein, and to extend the protein by an additional 75 amino acids. Experimental studies and prediction algorithms are not available for this variant, and the functional significance of the disrupted amino acids is currently unknown. In summary, the available evidence is currently insufficient to determine the role of this variant in disease. Therefore, it has been classified as a Variant of Uncertain Significance. This variant has not been reported in the literature in individuals with a CCDC114-related disease. This variant is not present in population databases (ExAC no frequency).